The following is an entry in ClinVar:

ClinVar aggregate classification (germline): Uncertain significance (1 of 4 stars; one submission).

Allele frequency attached by ClinVar (database versions not stated): gnomAD exomes below 0.00001.
gnomAD v4.1: 7 of 1,613,546 alleles (0.00043%); highest among the groups gnomAD compares: South Asian, 0.0011%; no homozygotes.

Submission:

Labcorp Genetics (formerly Invitae), Labcorp
Classification: Uncertain significance. Last evaluated: 2022-08-22. Review status: criteria provided, single submitter. Criteria: Invitae Variant Classification Sherloc (09022015). Collection method: clinical testing. Allele origin: germline.
Comment: This sequence change replaces arginine, which is basic and polar, with glutamine, which is neutral and polar, at codon 1574 of the CACNA1B protein (p.Arg1574Gln). This variant is present in population databases (no rsID available, gnomAD 0.004%). This variant has not been reported in the literature in individuals affected with CACNA1B-related conditions. Advanced modeling of protein sequence and biophysical properties (such as structural, functional, and spatial information, amino acid conservation, physicochemical variation, residue mobility, and thermodynamic stability) performed at Invitae indicates that this missense variant is expected to disrupt CACNA1B protein function. In summary, the available evidence is currently insufficient to determine the role of this variant in disease. Therefore, it has been classified as a Variant of Uncertain Significance.

NM_000718.4(CACNA1B):c.4721G>A (p.Arg1574Gln)

Gene: CACNA1B (calcium voltage-gated channel subunit alpha1 B; plus strand). Cytogenetic location: 9q34.3.
Variant type: single nucleotide variant.
Coding change: c.4721G>A on transcript NM_000718.4 (MANE Select); coding-DNA position 4721, G replaced by A.
Protein change: p.Arg1574Gln; replaces arginine 1574 with glutamine.
Molecular consequence: missense variant.
Genome position (GRCh38, 1-based): chr9:138,073,534, G>A. VCF-style: chr9-138073534-G-A. GRCh37 (hg19) VCF-style: chr9-140967986-G-A.
Other names: c.4721G>A, p.Arg1574Gln (NM_001243812.2); short protein forms R1574Q.
Identifiers: ClinVar variation 1961131 (VCV001961131.2), dbSNP rs1189942821, ClinGen allele CA375818315.
Genomic context (GRCh38, chr9:138,073,534, plus strand): 5'-CCTCTTCTCTGCAGAACAATTTCATCAACCTCAGCTTCCTCCGCCTCTTTCGAGCTGCGC[G>A]GCTGATCAAGCTGCTCCGCCAGGGCTACACCATCCGCATCCTGCTGTGGACCTTTGTCCA-3'
Protein context (NP_000709.1, residues 1564-1584): LSFLRLFRAA[Arg1574Gln]LIKLLRQGYT